The following is an entry in ClinVar:

ClinVar aggregate classification (germline): Likely benign (1 of 4 stars; one submission).

Allele frequency attached by ClinVar (database versions not stated): 1000 Genomes Project 0.00060; 1000 Genomes Project 30x 0.00062; ExAC 0.00114; gnomAD 0.00169; TOPMed 0.00192; gnomAD exomes 0.00203; ESP Exome Variant Server 0.00323.
gnomAD v4.1: 3,209 of 1,613,420 alleles (0.2%); highest among the groups gnomAD compares: Admixed American, 0.26%; 5 homozygotes.

Submission:

CeGaT Center for Human Genetics Tuebingen
Classification: Likely benign. Last evaluated: 2023-01-01. Review status: criteria provided, single submitter. Criteria: CeGaT Center For Human Genetics Tuebingen Variant Classification Criteria Version 2. Collection method: clinical testing. Allele origin: germline. Affected: yes. Observed: 2 variant alleles.
Comment: IVNS1ABP: BP4, BP7

NM_006469.5(IVNS1ABP):c.1293T>C (p.Ser431=)

Gene: IVNS1ABP (influenza virus NS1A binding protein; minus strand). Cytogenetic location: 1q25.3.
Variant type: single nucleotide variant.
Coding change: c.1293T>C on transcript NM_006469.5 (MANE Select); coding-DNA position 1293, T replaced by C.
Protein change: p.Ser431=; no amino-acid change (serine 431 retained).
Molecular consequence: synonymous variant.
Genome position (GRCh38, 1-based): chr1:185,300,293, A>G on the plus strand (T>C on the coding strand, the complement: IVNS1ABP is on the minus strand). VCF-style: chr1-185300293-A-G. GRCh37 (hg19) VCF-style: chr1-185269425-A-G.
Identifiers: ClinVar variation 2639642 (VCV002639642.24), dbSNP rs139097733, ClinGen allele CA1290415.